The following is an entry in ClinVar:

ClinVar aggregate classification (germline): Uncertain significance (1 of 4 stars; one submission).

Conditions:
Duchenne muscular dystrophy (DMD). Also called: MUSCULAR DYSTROPHY, PSEUDOHYPERTROPHIC PROGRESSIVE, DUCHENNE TYPE; Duchenne Muscular Dystrophy (DMD). Identifiers: Orphanet 98896, MedGen C0013264, MONDO:0010679, OMIM 310200.

Submission:

Labcorp Genetics (formerly Invitae), Labcorp
Classification: Uncertain significance for Duchenne muscular dystrophy. Last evaluated: 2022-01-16. Review status: criteria provided, single submitter. Criteria: Invitae Variant Classification Sherloc (09022015). Collection method: clinical testing. Allele origin: germline.
Comment: In summary, the available evidence is currently insufficient to determine the role of this variant in disease. Therefore, it has been classified as a Variant of Uncertain Significance. Algorithms developed to predict the effect of missense changes on protein structure and function are either unavailable or do not agree on the potential impact of this missense change (SIFT: "Tolerated"; PolyPhen-2: "Possibly Damaging"; Align-GVGD: "Class C0"). This variant has not been reported in the literature in individuals affected with DMD-related conditions. This variant is not present in population databases (gnomAD no frequency). This sequence change replaces lysine, which is basic and polar, with glutamic acid, which is acidic and polar, at codon 871 of the DMD protein (p.Lys871Glu).

NM_004006.3(DMD):c.2611A>G (p.Lys871Glu)

Gene: DMD (dystrophin; minus strand). Cytogenetic location: Xp21.1.
Variant type: single nucleotide variant.
Coding change: c.2611A>G on transcript NM_004006.3 (MANE Select); coding-DNA position 2611, A replaced by G.
Protein change: p.Lys871Glu; replaces lysine 871 with glutamic acid.
Molecular consequence: missense variant.
Genome position (GRCh38, 1-based): chrX:32,491,288, T>C on the plus strand (A>G on the coding strand, the complement: DMD is on the minus strand). VCF-style: chrX-32491288-T-C. GRCh37 (hg19) VCF-style: chrX-32509405-T-C.
Other names: c.2587A>G, p.Lys863Glu (NM_000109.4); c.2599A>G, p.Lys867Glu (NM_004009.3); c.2242A>G, p.Lys748Glu (NM_004010.3); short protein forms K748E, K863E, K867E, K871E.
Identifiers: ClinVar variation 2085671 (VCV002085671.4), dbSNP rs863224987, ClinGen allele CA412671834.